The following is an entry in ClinVar:

ClinVar aggregate classification (germline): Conflicting classifications of pathogenicity. Review status: criteria provided, conflicting classifications (1 of 4 stars). 2 submissions from 2 submitters: Uncertain significance (1); Likely benign (1). Last evaluated 2024-06-25.

Conditions:
Inborn genetic diseases. Identifiers: MedGen C0950123, MeSH D030342.

Allele frequency attached by ClinVar (database versions not stated): gnomAD exomes below 0.00001.

Submissions (2):

GeneDx
Classification: Uncertain significance. Last evaluated: 2024-06-25. Review status: criteria provided, single submitter. Criteria: GeneDx Variant Classification Process June 2021. Collection method: clinical testing. Allele origin: germline. Affected: yes.
Comment: Not observed at significant frequency in large population cohorts (gnomAD); Frameshift variant predicted to result in abnormal protein length as the last 478 amino acids are replaced with 4 different amino acids; Has not been previously published as pathogenic or benign to our knowledge

Ambry Genetics
Classification: Likely benign for Inborn genetic diseases. Last evaluated: 2022-11-21. Review status: criteria provided, single submitter. Criteria: Ambry Variant Classification Scheme 2023. Collection method: clinical testing. Allele origin: germline.

NM_021076.4(NEFH):c.1628_1629del (p.Glu543fs)

Gene: NEFH (neurofilament heavy chain; plus strand). Cytogenetic location: 22q12.2.
Variant type: Deletion.
Coding change: c.1628_1629del on transcript NM_021076.4 (MANE Select); coding-DNA positions 1628 to 1629, 2 bases deleted (AA; older notation c.1628_1629delAA).
Protein change: p.Glu543fs; shifts the reading frame from glutamic acid 543.
Molecular consequence: frameshift variant.
Genome position (GRCh38, 1-based): chr22:29,489,268-29,489,269, AA deleted. VCF-style (leftmost placement, unchanged base first): chr22-29489267-GAA-G. GRCh37 (hg19) VCF-style: chr22-29885256-GAA-G.
Other names: c.1628_1629delAA (NM_021076.3); c.1628_1629del (NM_021076.3); short protein forms E543fs.
Identifiers: ClinVar variation 2298924 (VCV002298924.3), dbSNP rs2517977179, ClinGen allele CA2577680102.